The following is an entry in ClinVar:

NM_007294.4(BRCA1):c.395A>G (p.Asn132Ser)

Gene: BRCA1 (BRCA1 DNA repair associated; minus strand). Cytogenetic location: 17q21.31.
Variant type: single nucleotide variant.
Coding change: c.395A>G on transcript NM_007294.4 (MANE Select); coding-DNA position 395, A replaced by G.
Protein change: p.Asn132Ser; replaces asparagine 132 with serine.
Molecular consequence: missense variant. On other transcripts: non-coding transcript variant (1).
Genome position (GRCh38, 1-based): chr17:43,104,168, T>C on the plus strand (A>G on the coding strand, the complement: BRCA1 is on the minus strand). VCF-style: chr17-43104168-T-C. GRCh37 (hg19) VCF-style: chr17-41256185-T-C.
Other names: c.185A>G, p.Asn62Ser (NM_001407571.1, NM_001407853.1, NM_001407879.1 and 58 more transcripts); c.395A>G, p.Asn132Ser (NM_001407581.1, NM_001407582.1, NM_001407583.1 and 165 more transcripts); c.386A>G, p.Asn129Ser (NM_001407646.1, NM_001407647.1, NM_001408408.1); c.317A>G, p.Asn106Ser (NM_001407653.1, NM_001407654.1, NM_001407655.1 and 21 more transcripts); c.254A>G, p.Asn85Ser (NM_001407692.1, NM_001407694.1, NM_001407695.1 and 99 more transcripts); c.14A>G, p.Asn5Ser (NM_001407959.1, NM_001407960.1, NM_001407962.1 and 4 more transcripts); c.263A>G, p.Asn88Ser (NM_001408451.1); short protein forms N132S, N85S, N5S, N106S, N88S, N129S, N62S.
Identifiers: ClinVar variation 824426 (VCV000824426.11), dbSNP rs1597896639, ClinGen allele CA10601352.
Genomic context (GRCh38, chr17:43,104,168, plus strand): 5'-ACAAATGGTTTTACCAAGGAAGGATTTTCGGGTTCACTCTGTAGAAGTCTTTTGGCACGG[T>C]TTCTGTAGCCCATACTTTGGATGATAGAAACTTCATCTTTTAGATGTTCAGGAGAGTTAT-3'
Protein context (NP_009225.1, residues 122-142): VSIIQSMGYR[Asn132Ser]RAKRLLQSEP

ClinVar aggregate classification (germline): Conflicting classifications of pathogenicity. Review status: criteria provided, conflicting classifications (1 of 4 stars). 4 submissions from 4 submitters: Uncertain significance (3); Likely benign (1). Last evaluated 2025-04-21.

Conditions:
Hereditary cancer-predisposing syndrome. Also called: Hereditary Cancer Syndrome; Hereditary neoplastic syndrome; Neoplastic Syndromes, Hereditary; Tumor predisposition. Identifiers: Orphanet 140162, MedGen C0027672, MeSH D009386, MONDO:0015356.
Hereditary breast ovarian cancer syndrome. Also called: BRCA1- and BRCA2-Associated Hereditary Breast and Ovarian Cancer; Hereditary breast and ovarian cancer syndrome (HBOC); Hereditary breast and ovarian cancer syndrome; Breast and ovarian cancer; Hereditary breast and ovarian cancer; Hereditary breast and/or ovarian cancer syndrome. Identifiers: Orphanet 145, MedGen C0677776, MeSH D061325, MONDO:0003582. Disease mechanism: loss of function.
Breast-ovarian cancer, familial, susceptibility to, 1 (BROVCA1). Also called: OVARIAN CANCER, SUSCEPTIBILITY TO; BRCA1 Hereditary Breast and Ovarian Cancer. Identifiers: Orphanet 145, MedGen C2676676, MONDO:0011450, OMIM 604370. Disease mechanism: loss of function.

Submissions (4):

Myriad Genetics, Inc.
Classification: Likely benign for Breast-ovarian cancer, familial, susceptibility to, 1. Last evaluated: 2025-04-21. Review status: criteria provided, single submitter. Criteria: Myriad Autosomal Dominant, Autosomal Recessive and X-Linked Classification Criteria (2023). Collection method: clinical testing. Allele origin: unknown.
Comment: This variant is considered likely benign. This variant is strongly associated with less severe personal and family histories of cancer, typical for individuals without pathogenic variants in this gene [PMID: 25085752].

Labcorp Genetics (formerly Invitae), Labcorp
Classification: Uncertain significance for Hereditary breast ovarian cancer syndrome. Last evaluated: 2024-10-22. Review status: criteria provided, single submitter. Criteria: Invitae Variant Classification Sherloc (09022015). Collection method: clinical testing. Allele origin: germline.
Comment: This sequence change replaces asparagine, which is neutral and polar, with serine, which is neutral and polar, at codon 132 of the BRCA1 protein (p.Asn132Ser). This variant is not present in population databases (gnomAD no frequency). This variant has not been reported in the literature in individuals affected with BRCA1-related conditions. ClinVar contains an entry for this variant (Variation ID: 824426). Invitae Evidence Modeling of protein sequence and biophysical properties (such as structural, functional, and spatial information, amino acid conservation, physicochemical variation, residue mobility, and thermodynamic stability) indicates that this missense variant is expected to disrupt BRCA1 protein function with a positive predictive value of 80%. In summary, the available evidence is currently insufficient to determine the role of this variant in disease. Therefore, it has been classified as a Variant of Uncertain Significance.

Baylor Genetics
Classification: Uncertain significance for Breast-ovarian cancer, familial, susceptibility to, 1. Last evaluated: 2024-03-14. Review status: criteria provided, single submitter. Criteria: ACMG Guidelines, 2015. Collection method: clinical testing. Allele origin: unknown.

Ambry Genetics
Classification: Uncertain significance for Hereditary cancer-predisposing syndrome. Last evaluated: 2023-02-17. Review status: criteria provided, single submitter. Criteria: Ambry Variant Classification Scheme 2023. Collection method: clinical testing. Allele origin: germline.
Comment: The p.N132S variant (also known as c.395A>G), located in coding exon 5 of the BRCA1 gene, results from an A to G substitution at nucleotide position 395. The asparagine at codon 132 is replaced by serine, an amino acid with highly similar properties. This amino acid position is highly conserved in available vertebrate species. In addition, the in silico prediction for this alteration is inconclusive. Since supporting evidence is limited at this time, the clinical significance of this alteration remains unclear.

Literature cited by the submitters: PubMed 25085752 (cited by Myriad Genetics, Inc.).